The following is an entry in ClinVar:

NM_017617.5(NOTCH1):c.2894A>G (p.Asp965Gly)

Gene: NOTCH1 (notch receptor 1; minus strand). Cytogenetic location: 9q34.3.
Variant type: single nucleotide variant.
Coding change: c.2894A>G on transcript NM_017617.5 (MANE Select); coding-DNA position 2894, A replaced by G.
Protein change: p.Asp965Gly; replaces aspartic acid 965 with glycine.
Molecular consequence: missense variant.
Genome position (GRCh38, 1-based): chr9:136,509,808, T>C on the plus strand (A>G on the coding strand, the complement: NOTCH1 is on the minus strand). VCF-style: chr9-136509808-T-C. GRCh37 (hg19) VCF-style: chr9-139404260-T-C.
Other names: short protein forms D965G.
Identifiers: ClinVar variation 1310800 (VCV001310800.2), dbSNP rs2133350657, ClinGen allele CA375553601.

ClinVar aggregate classification (germline): Uncertain significance (1 of 4 stars; one submission).

Submission:

GeneDx
Classification: Uncertain significance. Last evaluated: 2020-01-11. Review status: criteria provided, single submitter. Criteria: GeneDx Variant Classification Process June 2021. Collection method: clinical testing. Allele origin: germline. Affected: yes.
Comment: Not observed in large population cohorts (Lek et al., 2016); In silico analysis, which includes protein predictors and evolutionary conservation, supports that this variant does not alter protein structure/function; Has not been previously published as pathogenic or benign to our knowledge